The following is an entry in ClinVar:

NM_021020.5(LZTS1):c.727_750del (p.Asn243_Ser250del)

Gene: LZTS1 (leucine zipper tumor suppressor 1; minus strand). Cytogenetic location: 8p21.3.
Variant type: Deletion.
Coding change: c.727_750del on transcript NM_021020.5 (MANE Select); coding-DNA positions 727 to 750, 24 bases deleted (AACAAGGCAGACAAGGGCCCCTCG).
Protein change: p.Asn243_Ser250del.
Molecular consequence: inframe deletion.
Genome position (GRCh38, 1-based): chr8:20,253,181-20,253,204, CGAGGGGCCCTTGTCTGCCTTGTT deleted on the plus strand (AACAAGGCAGACAAGGGCCCCTCG on the coding strand, the reverse complement: LZTS1 is on the minus strand); deleting any 24 consecutive bases within chr8:20,253,181-20,253,208 gives the same sequence; the c. name uses the placement nearest the transcript's 3' end. VCF-style (leftmost placement, unchanged base first): chr8-20253180-ACGAGGGGCCCTTGTCTGCCTTGTT-A. GRCh37 (hg19) VCF-style: chr8-20110691-ACGAGGGGCCCTTGTCTGCCTTGTT-A.
Other names: c.727_750del, p.Asn243_Ser250del (NM_001362884.2).
Identifiers: ClinVar variation 1408576 (VCV001408576.6), dbSNP rs757090341, ClinGen allele CA4657454.

ClinVar aggregate classification (germline): Uncertain significance (1 of 4 stars; one submission).

Submission:

Labcorp Genetics (formerly Invitae), Labcorp
Classification: Uncertain significance. Last evaluated: 2022-07-19. Review status: criteria provided, single submitter. Criteria: Invitae Variant Classification Sherloc (09022015). Collection method: clinical testing. Allele origin: germline.
Comment: This variant, c.727_750del, results in the deletion of 8 amino acid(s) of the LZTS1 protein (p.Asn243_Ser250del), but otherwise preserves the integrity of the reading frame. This variant is present in population databases (rs757090341, gnomAD 0.006%). In summary, the available evidence is currently insufficient to determine the role of this variant in disease. Therefore, it has been classified as a Variant of Uncertain Significance. Algorithms developed to predict the effect of sequence changes on RNA splicing suggest that this variant may create or strengthen a splice site. ClinVar contains an entry for this variant (Variation ID: 1408576). This variant has not been reported in the literature in individuals affected with LZTS1-related conditions.